The following is an entry in ClinVar:

ClinVar aggregate classification (germline): Uncertain significance (1 of 4 stars; one submission).

Conditions:
Inborn genetic diseases. Identifiers: MedGen C0950123, MeSH D030342.

Allele frequency attached by ClinVar (database versions not stated): gnomAD exomes below 0.00001.
gnomAD v4.1: 1 of 1,604,896 alleles (0.000062%); highest among the groups gnomAD compares: Non-Finnish European, 0.000085%; no homozygotes.

Submission:

Ambry Genetics
Classification: Uncertain significance for Inborn genetic diseases. Last evaluated: 2021-07-13. Review status: criteria provided, single submitter. Criteria: Ambry Variant Classification Scheme 2023. Collection method: clinical testing. Allele origin: germline.
Comment: The p.V212D variant (also known as c.635T>A), located in coding exon 7 of the ATL3 gene, results from a T to A substitution at nucleotide position 635. The valine at codon 212 is replaced by aspartic acid, an amino acid with highly dissimilar properties. This amino acid position is conserved. In addition, this alteration is predicted to be deleterious by in silico analysis. Since supporting evidence is limited at this time, the clinical significance of this alteration remains unclear.

NM_015459.5(ATL3):c.635T>A (p.Val212Asp)

Genes: ATL3 (atlastin GTPase 3; minus strand), LNCROPM (lncRNA regulator of PLAAT3 mediated phospholipid metabolism; plus strand). Cytogenetic location: 11q13.1.
Variant type: single nucleotide variant.
Coding change: c.635T>A on transcript NM_015459.5 (MANE Select); coding-DNA position 635, T replaced by A.
Protein change: p.Val212Asp; replaces valine 212 with aspartic acid.
Molecular consequence: missense variant.
Genome position (GRCh38, 1-based): chr11:63,644,245, A>T on the plus strand (T>A on the coding strand, the complement: ATL3 is on the minus strand). VCF-style: chr11-63644245-A-T. GRCh37 (hg19) VCF-style: chr11-63411717-A-T.
Other names: c.581T>A, p.Val194Asp (NM_001290048.2); short protein forms V194D, V212D.
Identifiers: ClinVar variation 1753055 (VCV001753055.2), dbSNP rs2495658022, ClinGen allele CA381024681.
Genomic context (GRCh38, chr11:63,644,245, plus strand): 5'-AAAAATGCCATTCCTCCTTGGAGTCCATAGCTATATTCATAAGGGAAACTCCAATCTCTA[A>T]CCAAAAACATCAGTGTCTATTTAAGAAAAGAGCGGAACATATTTTAACATGCATAAACAC-3'
Protein context (NP_056274.3, residues 202-222): QKPFQTLMFL[Val212Asp]RDWSFPYEYS